The following is an entry in ClinVar:

NM_014249.4(NR2E3):c.809T>C (p.Leu270Pro)

Gene: NR2E3 (nuclear receptor subfamily 2 group E member 3; plus strand). Cytogenetic location: 15q23.
Variant type: single nucleotide variant.
Coding change: c.809T>C on transcript NM_014249.4 (MANE Select); coding-DNA position 809, T replaced by C.
Protein change: p.Leu270Pro; replaces leucine 270 with proline.
Molecular consequence: missense variant.
Genome position (GRCh38, 1-based): chr15:71,813,450, T>C. VCF-style: chr15-71813450-T-C. GRCh37 (hg19) VCF-style: chr15-72105790-T-C.
Other names: c.809T>C, p.Leu270Pro (NM_016346.4); short protein forms L270P.
Identifiers: ClinVar variation 1498382 (VCV001498382.3), dbSNP rs1219127792, ClinGen allele CA393036538.

ClinVar aggregate classification (germline): Uncertain significance (1 of 4 stars; one submission).

Allele frequency attached by ClinVar (database versions not stated): gnomAD exomes below 0.00001; TOPMed below 0.00001.
gnomAD v4.1: 1 of 1,610,364 alleles (0.000062%); highest among the groups gnomAD compares: East Asian, 0.0022%; no homozygotes.

Submission:

Labcorp Genetics (formerly Invitae), Labcorp
Classification: Uncertain significance. Last evaluated: 2020-12-28. Review status: criteria provided, single submitter. Criteria: Invitae Variant Classification Sherloc (09022015). Collection method: clinical testing. Allele origin: germline.
Comment: This sequence change replaces leucine with proline at codon 270 of the NR2E3 protein (p.Leu270Pro). The leucine residue is moderately conserved and there is a moderate physicochemical difference between leucine and proline. This variant is not present in population databases (ExAC no frequency). This variant has not been reported in the literature in individuals with NR2E3-related conditions. Experimental studies and prediction algorithms are not available or were not evaluated, and the functional significance of this variant is currently unknown. In summary, the available evidence is currently insufficient to determine the role of this variant in disease. Therefore, it has been classified as a Variant of Uncertain Significance.